The following is an entry in ClinVar:

ClinVar aggregate classification (germline): Uncertain significance. Review status: criteria provided, multiple submitters, no conflicts (2 of 4 stars). 2 submissions from 2 submitters: Uncertain significance (2). Last evaluated 2024-11-20.

Allele frequency attached by ClinVar (database versions not stated): ExAC 0.00001; gnomAD exomes 0.00001 and below 0.00001; TOPMed 0.00001.
gnomAD v4.1: 6 of 1,614,062 alleles (0.00037%); highest among the groups gnomAD compares: South Asian, 0.0066%; no homozygotes.

Submissions (2):

Revvity Omics, Revvity
Classification: Uncertain significance. Last evaluated: 2024-11-20. Review status: criteria provided, single submitter. Criteria: ACMG Guidelines, 2015. Collection method: clinical testing. Allele origin: germline.

GeneDx
Classification: Uncertain significance. Last evaluated: 2019-03-25. Review status: criteria provided, single submitter. Criteria: GeneDx Variant Classification Process June 2021. Collection method: clinical testing. Allele origin: germline. Affected: yes.
Comment: Not observed at a significant frequency in large population cohorts (Lek et al., 2016); In silico analysis, which includes protein predictors and evolutionary conservation, supports a deleterious effect; Has not been previously published as pathogenic or benign to our knowledge

NM_182961.4(SYNE1):c.3962T>C (p.Leu1321Pro)

Gene: SYNE1 (spectrin repeat containing nuclear envelope protein 1; minus strand). Cytogenetic location: 6q25.2.
Variant type: single nucleotide variant.
Coding change: c.3962T>C on transcript NM_182961.4 (MANE Select); coding-DNA position 3962, T replaced by C.
Protein change: p.Leu1321Pro; replaces leucine 1321 with proline.
Molecular consequence: missense variant.
Genome position (GRCh38, 1-based): chr6:152,442,121, A>G on the plus strand (T>C on the coding strand, the complement: SYNE1 is on the minus strand). VCF-style: chr6-152442121-A-G. GRCh37 (hg19) VCF-style: chr6-152763256-A-G.
Other names: c.3983T>C, p.Leu1328Pro (NM_033071.5); short protein forms L1321P, L1328P.
Identifiers: ClinVar variation 1308373 (VCV001308373.3), dbSNP rs773202823, ClinGen allele CA4058699.